The following is an entry in ClinVar:

NM_004415.4(DSP):c.766G>A (p.Glu256Lys)

Gene: DSP (desmoplakin; plus strand). Cytogenetic location: 6p24.3.
Variant type: single nucleotide variant.
Coding change: c.766G>A on transcript NM_004415.4 (MANE Select); coding-DNA position 766, G replaced by A.
Protein change: p.Glu256Lys; replaces glutamic acid 256 with lysine.
Molecular consequence: missense variant.
Genome position (GRCh38, 1-based): chr6:7,563,775, G>A. VCF-style: chr6-7563775-G-A. GRCh37 (hg19) VCF-style: chr6-7564008-G-A.
Other names: c.766G>A, p.Glu256Lys (NM_001008844.3, NM_001319034.2, NM_001406591.1); short protein forms E256K.
Identifiers: ClinVar variation 4757698 (VCV004757698.1).
Genomic context (GRCh38, chr6:7,563,775, plus strand): 5'-CTGCTTTTTGTTGTCTTCTAGCGCGAGAAATCTGCGATCTACCAGTTGGAGGAGGAGTAT[G>A]AAAACCTGCTGGTAAGCTGATTTATTTCTCAAGTGCATCGACTTTCTGTTGTTTCCAATT-3'
Protein context (NP_004406.2, residues 246-266): SAIYQLEEEY[Glu256Lys]NLLKASFERM

ClinVar aggregate classification (germline): Uncertain significance (1 of 4 stars; one submission).

Conditions:
Cardiomyopathy (CMYO). Also called: Cardiomyopathies. Identifiers: Orphanet 167848, MedGen C0878544, MONDO:0004994, HP:0001638. Inheritance: Various modes of inheritance.

Submission:

Color Diagnostics, LLC DBA Color Health
Classification: Uncertain significance for Cardiomyopathy. Last evaluated: 2025-07-17. Review status: criteria provided, single submitter. Criteria: ACMG Guidelines, 2015. Collection method: clinical testing. Allele origin: germline.
Comment: This missense variant replaces glutamic acid with lysine at codon 256 of the DSP protein. Computational prediction is inconclusive regarding the impact of this variant on protein structure and function. To our knowledge, functional studies have not been reported for this variant. This variant has not been reported in individuals affected with DSP-related disorders in the literature. This variant has not been identified in the general population by the Genome Aggregation Database (gnomAD). The available evidence is insufficient to determine the role of this variant in disease conclusively. Therefore, this variant is classified as a Variant of Uncertain Significance.